The following is an entry in ClinVar:

ClinVar aggregate classification (germline): Uncertain significance (1 of 4 stars; one submission).

Submission:

Labcorp Genetics (formerly Invitae), Labcorp
Classification: Uncertain significance. Last evaluated: 2023-10-13. Review status: criteria provided, single submitter. Criteria: Invitae Variant Classification Sherloc (09022015). Collection method: clinical testing. Allele origin: germline.
Comment: This sequence change replaces proline, which is neutral and non-polar, with asparagine, which is neutral and polar, at codon 335 of the COL13A1 protein (p.Pro335Asn). This variant is present in population databases (no rsID available, gnomAD 0.006%). This variant has not been reported in the literature in individuals affected with COL13A1-related conditions. ClinVar contains an entry for this variant (Variation ID: 1442740). An algorithm developed to predict the effect of missense changes on protein structure and function (PolyPhen-2) suggests that this variant is likely to be disruptive. In summary, the available evidence is currently insufficient to determine the role of this variant in disease. Therefore, it has been classified as a Variant of Uncertain Significance.

NM_001368882.1(COL13A1):c.973_974delinsAA (p.Pro325Asn)

Gene: COL13A1 (collagen type XIII alpha 1 chain; plus strand). Cytogenetic location: 10q22.1.
Variant type: Indel.
Coding change: c.973_974delinsAA on transcript NM_001368882.1 (MANE Select); coding-DNA positions 973 to 974, CC replaced by AA.
Protein change: p.Pro325Asn; replaces proline 325 with asparagine.
Molecular consequence: missense variant.
Genome position (GRCh38, 1-based): chr10:69,918,291-69,918,292, CC replaced by AA. VCF-style: chr10-69918291-CC-AA. GRCh37 (hg19) VCF-style: chr10-71678047-CC-AA.
Other names: c.1003_1004delinsAA, p.Pro335Asn (NM_001130103.2); c.973_974delinsAA, p.Pro325Asn (NM_001320951.2, NM_001368884.1); c.937_938delinsAA, p.Pro313Asn (NM_001368883.1, NM_001368885.1, NM_080801.4 and 1 more transcripts); c.373_374delinsAA, p.Pro125Asn (NM_001368886.1); c.883_884delinsAA, p.Pro295Asn (NM_001368895.1); c.832_833delinsAA, p.Pro278Asn (NM_001368896.1, NM_001368898.1, NM_080798.4); c.859_860delinsAA, p.Pro287Asn (NM_001368897.1); c.946_947delinsAA, p.Pro316Asn (NM_080800.4); and 1 more; short protein forms P125N, P287N, P335N, P325N, P313N, P316N, P278N, P284N.
Identifiers: ClinVar variation 1442740 (VCV001442740.4), dbSNP rs2135529906, ClinGen allele CA2573145329.